The following is an entry in ClinVar:

ClinVar aggregate classification (germline): Uncertain significance. Review status: criteria provided, multiple submitters, no conflicts (2 of 4 stars). 2 submissions from 2 submitters: Uncertain significance (2). Last evaluated 2025-11-21.

Conditions:
Inborn genetic diseases. Identifiers: MedGen C0950123, MeSH D030342.
ZSWIM6-related disorder. Also called: ZSWIM6-related condition.

Submissions (2):

PreventionGenetics, part of Exact Sciences
Classification: Uncertain significance for ZSWIM6-related condition. Last evaluated: 2025-11-21. Review status: criteria provided, single submitter. Criteria: ACMG Guidelines, 2015. Collection method: clinical testing. Allele origin: germline.
Comment: The ZSWIM6 c.551C>T variant is predicted to result in the amino acid substitution p.Ala184Val. To our knowledge, this variant has not been reported in the literature or in a large population database (gnomAD), indicating this variant is rare. At this time, the clinical significance of this variant is uncertain due to the absence of conclusive functional and genetic evidence.

Ambry Genetics
Classification: Uncertain significance for Inborn genetic diseases. Last evaluated: 2022-04-13. Review status: criteria provided, single submitter. Criteria: Ambry Variant Classification Scheme 2023. Collection method: clinical testing. Allele origin: germline.

NM_020928.2(ZSWIM6):c.551C>T (p.Ala184Val)

Gene: ZSWIM6 (zinc finger SWIM-type containing 6; plus strand). Cytogenetic location: 5q12.1.
Variant type: single nucleotide variant.
Coding change: c.551C>T on transcript NM_020928.2 (MANE Select); coding-DNA position 551, C replaced by T.
Protein change: p.Ala184Val; replaces alanine 184 with valine.
Molecular consequence: missense variant.
Genome position (GRCh38, 1-based): chr5:61,332,823, C>T. VCF-style: chr5-61332823-C-T. GRCh37 (hg19) VCF-style: chr5-60628650-C-T.
Other names: short protein forms A184V.
Identifiers: ClinVar variation 2401996 (VCV002401996.3), dbSNP rs1744292271, ClinGen allele CA359940941.
Genomic context (GRCh38, chr5:61,332,823, plus strand): 5'-CGGCCGCAACCTCGGCCGCCGCCGCCGCTGCCGCCGCCGCCGCCGCCGCCGCCGCCGCCG[C>T]GGGGGCCGGGGCCCCGTCGGTGGGGGCTGCCGGGGCGGCGGACGGCGGCGACGAGACGCG-3'
Protein context (NP_065979.1, residues 174-194): AAAAAAAAAA[Ala184Val]GAGAPSVGAA